The following is an entry in ClinVar:

ClinVar aggregate classification (germline): Conflicting classifications of pathogenicity. Review status: criteria provided, conflicting classifications (1 of 4 stars). 5 submissions from 5 submitters: Uncertain significance (1); Benign (1); Likely benign (2). 1 of the submissions does not count toward it. Last evaluated 2026-06-03.

Conditions:
KIT-related disorder. Also called: KIT-related condition.
Gastrointestinal stromal tumor. Also called: Gastrointestinal stromal tumor, somatic; Gastrointestinal stroma tumor. Identifiers: Orphanet 44890, MedGen C0238198, MeSH D046152, MONDO:0011719, OMIM 606764, HP:0100723.
Hereditary cancer-predisposing syndrome. Also called: Hereditary neoplastic syndrome; Tumor predisposition; Neoplastic Syndromes, Hereditary; Hereditary Cancer Syndrome. Identifiers: Orphanet 140162, MedGen C0027672, MeSH D009386, MONDO:0015356.

Allele frequency attached by ClinVar (database versions not stated): gnomAD exomes 0.00002; gnomAD 0.00003 and 0.00005; TOPMed 0.00003; ExAC 0.00004; 1000 Genomes Project 0.00020; 1000 Genomes Project 30x 0.00031.
gnomAD v4.1: 42 of 1,614,008 alleles (0.0026%); highest among the groups gnomAD compares: Middle Eastern, 0.017%; no homozygotes.

Submissions (5):

Myriad Genetics, Inc.
Classification: Benign for Gastrointestinal stromal tumor. Last evaluated: 2026-06-03. Review status: criteria provided, single submitter. Criteria: Myriad Autosomal Dominant, Autosomal Recessive and X-Linked Classification Criteria (2023). Collection method: clinical testing. Allele origin: unknown.
Comment: This variant is considered benign. This variant is a silent/synonymous amino acid change and it is not expected to impact splicing.

Labcorp Genetics (formerly Invitae), Labcorp
Classification: Likely benign for Gastrointestinal stromal tumor. Last evaluated: 2026-01-28. Review status: criteria provided, single submitter. Criteria: Invitae Variant Classification Sherloc (09022015). Collection method: clinical testing. Allele origin: germline.

Ambry Genetics
Classification: Uncertain significance for Hereditary cancer-predisposing syndrome. Last evaluated: 2025-01-13. Review status: criteria provided, single submitter. Criteria: Ambry Variant Classification Scheme 2023. Collection method: clinical testing. Allele origin: germline.
Comment: The c.390C>T variant (also known as p.N130N), located in coding exon 3 of the KIT gene, results from a C to T substitution at nucleotide position 390. This nucleotide substitution does not change the asparagine at codon 130. This nucleotide position is poorly conserved in available vertebrate species. In silico splice site analysis predicts that this alteration may result in the creation or strengthening of a novel splice acceptor site. Based on the available evidence, the clinical significance of this variant remains unclear.

Blueprint Genetics
Classification: Likely benign. Last evaluated: 2023-08-25. Review status: criteria provided, single submitter. Criteria: ACMG Guidelines, 2015. Collection method: clinical testing. Allele origin: germline.

PreventionGenetics, part of Exact Sciences
Classification: Likely benign for KIT-related condition. Last evaluated: 2022-01-26. Review status: no assertion criteria provided. Collection method: clinical testing. Allele origin: germline. Not counted in ClinVar's aggregate classification.
Comment: This variant is classified as likely benign based on ACMG/AMP sequence variant interpretation guidelines (Richards et al. 2015 PMID: 25741868, with internal and published modifications).

NM_000222.3(KIT):c.390C>T (p.Asn130=)

Gene: KIT (KIT proto-oncogene, receptor tyrosine kinase; plus strand). Cytogenetic location: 4q12.
Variant type: single nucleotide variant.
Coding change: c.390C>T on transcript NM_000222.3 (MANE Select); coding-DNA position 390, C replaced by T.
Protein change: p.Asn130=; no amino-acid change (asparagine 130 retained).
Molecular consequence: synonymous variant.
Genome position (GRCh38, 1-based): chr4:54,698,336, C>T. VCF-style: chr4-54698336-C-T. GRCh37 (hg19) VCF-style: chr4-55564502-C-T.
Other names: c.390C>T, p.Asn130= (NM_001093772.2, NM_001385284.1, NM_001385285.1 and 4 more transcripts).
Identifiers: ClinVar variation 528714 (VCV000528714.17), dbSNP rs575926270, ClinGen allele CA2923235.